The following is an entry in ClinVar:

ClinVar aggregate classification (germline): Likely benign. Review status: criteria provided, multiple submitters, no conflicts (2 of 4 stars). 2 submissions from 2 submitters: Likely benign (2). Last evaluated 2025-11-05.

Conditions:
Progressive familial heart block type IB (PFHB1B). Identifiers: Orphanet 871, MedGen C1970298, MONDO:0011474, OMIM 604559.

gnomAD v4.1: 1 of 1,614,080 alleles (0.000062%); highest among the groups gnomAD compares: Non-Finnish European, 0.000085%; no homozygotes.

Submissions (2):

Labcorp Genetics (formerly Invitae), Labcorp
Classification: Likely benign for Progressive familial heart block type IB. Last evaluated: 2025-11-05. Review status: criteria provided, single submitter. Criteria: Invitae Variant Classification Sherloc (09022015). Collection method: clinical testing. Allele origin: germline.

GeneDx
Classification: Likely benign. Last evaluated: 2018-04-10. Review status: criteria provided, single submitter. Criteria: GeneDx Variant Classification (06012015). Collection method: clinical testing. Allele origin: germline. Affected: yes.
Comment: This variant is considered likely benign or benign based on one or more of the following criteria: it is a conservative change, it occurs at a poorly conserved position in the protein, it is predicted to be benign by multiple in silico algorithms, and/or has population frequency not consistent with disease.

NM_017636.4(TRPM4):c.3066G>A (p.Leu1022=)

Gene: TRPM4 (transient receptor potential cation channel subfamily M member 4; plus strand). Cytogenetic location: 19q13.33.
Variant type: single nucleotide variant.
Coding change: c.3066G>A on transcript NM_017636.4 (MANE Select); coding-DNA position 3066, G replaced by A.
Protein change: p.Leu1022=; no amino-acid change (leucine 1022 retained).
Molecular consequence: synonymous variant.
Genome position (GRCh38, 1-based): chr19:49,202,076, G>A. VCF-style: chr19-49202076-G-A. GRCh37 (hg19) VCF-style: chr19-49705333-G-A.
Other names: c.2631G>A, p.Leu877= (NM_001195227.2); c.2721G>A, p.Leu907= (NM_001321281.2); c.1458G>A, p.Leu486= (NM_001321282.2); c.2544G>A, p.Leu848= (NM_001321283.2); c.2004G>A, p.Leu668= (NM_001321285.2).
Identifiers: ClinVar variation 681758 (VCV000681758.2), dbSNP rs1600520277, ClinGen allele CA508105444.